The following is an entry in ClinVar:

NM_005802.5(TOPORS):c.1883G>A (p.Arg628Gln)

Gene: TOPORS (TOP1 binding arginine/serine rich protein, E3 ubiquitin ligase; minus strand). Cytogenetic location: 9p21.1.
Variant type: single nucleotide variant.
Coding change: c.1883G>A on transcript NM_005802.5 (MANE Select); coding-DNA position 1883, G replaced by A.
Protein change: p.Arg628Gln; replaces arginine 628 with glutamine.
Molecular consequence: missense variant.
Genome position (GRCh38, 1-based): chr9:32,542,642, C>T on the plus strand (G>A on the coding strand, the complement: TOPORS is on the minus strand). VCF-style: chr9-32542642-C-T. GRCh37 (hg19) VCF-style: chr9-32542640-C-T.
Other names: c.1688G>A, p.Arg563Gln (NM_001195622.2); c.1883G>A (NM_005802.4); short protein forms R628Q, R563Q.
Identifiers: ClinVar variation 2989962 (VCV002989962.4), dbSNP rs751432028, ClinGen allele CA5020452.
Genomic context (GRCh38, chr9:32,542,642, plus strand): 5'-GTTCTTGATCTCTTTTTGTCTCTTCTCCCTCTAGGTCTGCTACTTTCCCTGCTTCTGGAT[C>T]GTTTACTTTTCATTCTTTTCTTCCCATGATGCTTTCTATGATTCTTCTGATCATGCCCAC-3'
Protein context (NP_005793.2, residues 618-638): HHGKKRMKSK[Arg628Gln]SRSRESSRPR

ClinVar aggregate classification (germline): Uncertain significance. Review status: criteria provided, multiple submitters, no conflicts (2 of 4 stars). 2 submissions from 2 submitters: Uncertain significance (2). Last evaluated 2025-06-22.

Conditions:
Inborn genetic diseases. Identifiers: MedGen C0950123, MeSH D030342.

Allele frequency attached by ClinVar (database versions not stated): ExAC 0.00001; gnomAD 0.00001; gnomAD exomes 0.00001.
gnomAD v4.1: 12 of 1,613,854 alleles (0.00074%); highest among the groups gnomAD compares: South Asian, 0.0033%; no homozygotes.

Submissions (2):

Ambry Genetics
Classification: Uncertain significance for Inborn genetic diseases. Last evaluated: 2025-06-22. Review status: criteria provided, single submitter. Criteria: Ambry Variant Classification Scheme 2023. Collection method: clinical testing. Allele origin: germline.

Labcorp Genetics (formerly Invitae), Labcorp
Classification: Uncertain significance. Last evaluated: 2023-05-23. Review status: criteria provided, single submitter. Criteria: Invitae Variant Classification Sherloc (09022015). Collection method: clinical testing. Allele origin: germline.
Comment: In summary, the available evidence is currently insufficient to determine the role of this variant in disease. Therefore, it has been classified as a Variant of Uncertain Significance. Algorithms developed to predict the effect of missense changes on protein structure and function output the following: SIFT: "Not Available"; PolyPhen-2: "Not Available"; Align-GVGD: "Not Available". The glutamine amino acid residue is found in multiple mammalian species, which suggests that this missense change does not adversely affect protein function. This variant has not been reported in the literature in individuals affected with TOPORS-related conditions. This variant is present in population databases (rs751432028, gnomAD 0.002%). This sequence change replaces arginine, which is basic and polar, with glutamine, which is neutral and polar, at codon 628 of the TOPORS protein (p.Arg628Gln).